The following is an entry in ClinVar:

ClinVar aggregate classification (germline): Uncertain significance (1 of 4 stars; one submission).

gnomAD v4.1: 42 of 1,613,560 alleles (0.0026%); highest among the groups gnomAD compares: Non-Finnish European, 0.0034%; no homozygotes.

Submission:

Labcorp Genetics (formerly Invitae), Labcorp
Classification: Uncertain significance. Last evaluated: 2025-11-06. Review status: criteria provided, single submitter. Criteria: Invitae Variant Classification Sherloc (09022015). Collection method: clinical testing. Allele origin: germline.
Comment: This sequence change replaces leucine, which is neutral and non-polar, with glutamine, which is neutral and polar, at codon 1319 of the MYH7B protein (p.Leu1319Gln). This variant is present in population databases (rs554062457, gnomAD 0.004%). This variant has not been reported in the literature in individuals affected with MYH7B-related conditions. ClinVar contains an entry for this variant (Variation ID: 1963904). Invitae Evidence Modeling of protein sequence and biophysical properties (such as structural, functional, and spatial information, amino acid conservation, physicochemical variation, residue mobility, and thermodynamic stability) indicates that this missense variant is not expected to disrupt MYH7B protein function with a negative predictive value of 80%. In summary, the available evidence is currently insufficient to determine the role of this variant in disease. Therefore, it has been classified as a Variant of Uncertain Significance.

NM_020884.7(MYH7B):c.3830T>A (p.Leu1277Gln)

Gene: MYH7B (myosin heavy chain 7B; plus strand). Cytogenetic location: 20q11.22.
Variant type: single nucleotide variant.
Coding change: c.3830T>A on transcript NM_020884.7 (MANE Select); coding-DNA position 3830, T replaced by A.
Protein change: p.Leu1277Gln; replaces leucine 1277 with glutamine.
Molecular consequence: missense variant.
Genome position (GRCh38, 1-based): chr20:34,998,377, T>A. VCF-style: chr20-34998377-T-A. GRCh37 (hg19) VCF-style: chr20-33586180-T-A.
Other names: short protein forms L1277Q.
Identifiers: ClinVar variation 1963904 (VCV001963904.5), dbSNP rs554062457, ClinGen allele CA9827869.